The following is an entry in ClinVar:

NM_001687.5(ATP5F1D):c.278C>T (p.Thr93Ile)

Gene: ATP5F1D (ATP synthase F1 subunit delta; plus strand). Cytogenetic location: 19p13.3.
Variant type: single nucleotide variant.
Coding change: c.278C>T on transcript NM_001687.5 (MANE Select); coding-DNA position 278, C replaced by T.
Protein change: p.Thr93Ile; replaces threonine 93 with isoleucine.
Molecular consequence: missense variant.
Genome position (GRCh38, 1-based): chr19:1,242,592, C>T. VCF-style: chr19-1242592-C-T. GRCh37 (hg19) VCF-style: chr19-1242591-C-T.
Other names: c.278C>T, p.Thr93Ile (NM_001001975.2); short protein forms T93I.
Identifiers: ClinVar variation 2073201 (VCV002073201.4), dbSNP rs753056264, ClinGen allele CA9040244.

ClinVar aggregate classification (germline): Uncertain significance (1 of 4 stars; one submission).

Allele frequency attached by ClinVar (database versions not stated): gnomAD exomes below 0.00001; gnomAD 0.00001; TOPMed 0.00001; ExAC 0.00007.

Submission:

Labcorp Genetics (formerly Invitae), Labcorp
Classification: Uncertain significance. Last evaluated: 2022-03-27. Review status: criteria provided, single submitter. Criteria: Invitae Variant Classification Sherloc (09022015). Collection method: clinical testing. Allele origin: germline.
Comment: In summary, the available evidence is currently insufficient to determine the role of this variant in disease. Therefore, it has been classified as a Variant of Uncertain Significance. Algorithms developed to predict the effect of missense changes on protein structure and function (SIFT, PolyPhen-2, Align-GVGD) all suggest that this variant is likely to be tolerated. This variant has not been reported in the literature in individuals affected with ATP5D-related conditions. This variant is present in population databases (rs753056264, gnomAD 0.004%). This sequence change replaces threonine, which is neutral and polar, with isoleucine, which is neutral and non-polar, at codon 93 of the ATP5D protein (p.Thr93Ile).